The following is an entry in ClinVar:

NM_001365999.1(SZT2):c.9279_9286del (p.Ile3093fs)

Gene: SZT2 (SZT2 subunit of KICSTOR complex; plus strand). Cytogenetic location: 1p34.2.
Variant type: Deletion.
Coding change: c.9279_9286del on transcript NM_001365999.1 (MANE Select); coding-DNA positions 9279 to 9286, 8 bases deleted (TTACCAAG; older notation c.9279_9286delTTACCAAG).
Protein change: p.Ile3093fs; shifts the reading frame from isoleucine 3093.
Molecular consequence: frameshift variant.
Genome position (GRCh38, 1-based): chr1:43,447,161-43,447,168, TTACCAAG deleted. VCF-style (leftmost placement, unchanged base first): chr1-43447160-TTTACCAAG-T. GRCh37 (hg19) VCF-style: chr1-43912831-TTTACCAAG-T.
Other names: c.9108_9115del, p.Ile3036fs (NM_015284.4); c.720_727delTTACCAAG, p.Ile240Metfs (NM_024547.1); short protein forms I3036fs, I3093fs.
Identifiers: ClinVar variation 2091895 (VCV002091895.4), dbSNP rs2545865930, ClinGen allele CA2580062944.
Genomic context (GRCh38, chr1:43,447,160, plus strand): 5'-CCTTTCTGCGACACTTCCTGGCCCACCACCCTGACGGACCCCACTTTGGCCGCAATCACA[TTTACCAAG>T]GTCAGTGCCCAAGGGCAAGCCAGTGAACCCAAAAAAGAACAGGCCACAGGTGCCTCCAGG-3'

ClinVar aggregate classification (germline): Pathogenic (1 of 4 stars; one submission).

Submission:

Labcorp Genetics (formerly Invitae), Labcorp
Classification: Pathogenic. Last evaluated: 2024-07-01. Review status: criteria provided, single submitter. Criteria: Invitae Variant Classification Sherloc (09022015). Collection method: clinical testing. Allele origin: germline.
Comment: This sequence change creates a premature translational stop signal (p.Ile3036Metfs*21) in the SZT2 gene. It is expected to result in an absent or disrupted protein product. Loss-of-function variants in SZT2 are known to be pathogenic (PMID: 23932106, 27248490, 28556953). This variant is not present in population databases (gnomAD no frequency). This variant has not been reported in the literature in individuals affected with SZT2-related conditions. ClinVar contains an entry for this variant (Variation ID: 2091895). Algorithms developed to predict the effect of sequence changes on RNA splicing suggest that this variant may disrupt the consensus splice site. For these reasons, this variant has been classified as Pathogenic.

Literature cited by the submitters: PubMed 23932106; PubMed 27248490; PubMed 28556953.